The following is an entry in ClinVar:

NM_025233.7(COASY):c.744G>A (p.Val248=)

Gene: COASY (Coenzyme A synthase; plus strand). Cytogenetic location: 17q21.2.
Variant type: single nucleotide variant.
Coding change: c.744G>A on transcript NM_025233.7 (MANE Select); coding-DNA position 744, G replaced by A.
Protein change: p.Val248=; no amino-acid change (valine 248 retained).
Molecular consequence: synonymous variant.
Genome position (GRCh38, 1-based): chr17:42,564,004, G>A. VCF-style: chr17-42564004-G-A. GRCh37 (hg19) VCF-style: chr17-40716022-G-A.
Other names: c.744G>A, p.Val248= (NM_001042529.3); c.831G>A, p.Val277= (NM_001042532.4).
Identifiers: ClinVar variation 510576 (VCV000510576.7), dbSNP rs759365582, ClinGen allele CA8578055.

ClinVar aggregate classification (germline): Likely benign. Review status: criteria provided, multiple submitters, no conflicts (2 of 4 stars). 2 submissions from 2 submitters: Likely benign (2). Last evaluated 2026-01-05.

Conditions:
Neurodegeneration with brain iron accumulation 6 (NBIA6). Also called: COASY protein-associated neurodegeneration. Identifiers: Orphanet 397725, MedGen C4517377, MONDO:0014290, OMIM 615643.

Allele frequency attached by ClinVar (database versions not stated): gnomAD 0.00001; gnomAD exomes 0.00001 and 0.00002; ExAC 0.00002; TOPMed 0.00002.

Submissions (2):

Labcorp Genetics (formerly Invitae), Labcorp
Classification: Likely benign for Neurodegeneration with brain iron accumulation 6. Last evaluated: 2026-01-05. Review status: criteria provided, single submitter. Criteria: Invitae Variant Classification Sherloc (09022015). Collection method: clinical testing. Allele origin: germline.

GeneDx
Classification: Likely benign. Last evaluated: 2017-07-19. Review status: criteria provided, single submitter. Criteria: GeneDx Variant Classification (06012015). Collection method: clinical testing. Allele origin: germline. Affected: yes.
Comment: This variant is considered likely benign or benign based on one or more of the following criteria: it is a conservative change, it occurs at a poorly conserved position in the protein, it is predicted to be benign by multiple in silico algorithms, and/or has population frequency not consistent with disease.